The following is an entry in ClinVar:

NM_016507.4(CDK12):c.2922G>A (p.Pro974=)

Gene: CDK12 (cyclin dependent kinase 12; plus strand). Cytogenetic location: 17q12.
Variant type: single nucleotide variant.
Coding change: c.2922G>A on transcript NM_016507.4 (MANE Select); coding-DNA position 2922, G replaced by A.
Protein change: p.Pro974=; no amino-acid change (proline 974 retained).
Molecular consequence: synonymous variant.
Genome position (GRCh38, 1-based): chr17:39,517,515, G>A. VCF-style: chr17-39517515-G-A. GRCh37 (hg19) VCF-style: chr17-37673768-G-A.
Other names: c.2922G>A, p.Pro974= (NM_015083.4).
Identifiers: ClinVar variation 3830740 (VCV003830740.2).

ClinVar aggregate classification (germline): Likely benign. Review status: criteria provided, multiple submitters, no conflicts (2 of 4 stars). 2 submissions from 2 submitters: Likely benign (2). Last evaluated 2026-08-01.

gnomAD v4.1: 37 of 1,612,742 alleles (0.0023%); highest among the groups gnomAD compares: Non-Finnish European, 0.0029%; no homozygotes.

Submissions (2):

CeGaT Center for Human Genetics Tuebingen
Classification: Likely benign. Last evaluated: 2026-08-01. Review status: criteria provided, single submitter. Criteria: CeGaT Center For Human Genetics Tuebingen Variant Classification Criteria Version 2. Collection method: clinical testing. Allele origin: germline. Affected: yes. Observed: 2 variant alleles.
Comment: CDK12: BP4, BP7

Ambry Genetics
Classification: Likely benign. Last evaluated: 2025-03-03. Review status: criteria provided, single submitter. Criteria: Ambry Variant Classification Scheme 2023. Collection method: clinical testing. Allele origin: germline.